The following is an entry in ClinVar:

NM_001008212.2(OPTN):c.627-10T>C

Gene: OPTN (optineurin; plus strand). Cytogenetic location: 10p13.
Variant type: single nucleotide variant.
Coding change: c.627-10T>C on transcript NM_001008212.2 (MANE Select); 10 bases into the intron before coding-DNA position 627, T replaced by C.
Molecular consequence: intron variant.
Genome position (GRCh38, 1-based): chr10:13,118,878, T>C. VCF-style: chr10-13118878-T-C. GRCh37 (hg19) VCF-style: chr10-13160878-T-C.
Other names: p.?; c.627-10T>C (NM_001008211.1, NM_001008213.1, NM_021980.4).
Identifiers: ClinVar variation 299216 (VCV000299216.24), dbSNP rs80327830, ClinGen allele CA5410702.

ClinVar aggregate classification (germline): Benign/Likely benign. Review status: criteria provided, multiple submitters, no conflicts (2 of 4 stars). 7 submissions from 6 submitters: Benign (5); Likely benign (2). Last evaluated 2026-01-20.

Conditions:
Glaucoma 1, open angle, E. Identifiers: MedGen C1842026, MONDO:0007665.
Amyotrophic lateral sclerosis type 12 (ALS12). Also called: AMYOTROPHIC LATERAL SCLEROSIS 12 WITH OR WITHOUT FRONTOTEMPORAL DEMENTIA. Identifiers: Orphanet 803, MedGen C3150692, MONDO:0013264, OMIM 613435.
Primary open angle glaucoma (POAG). Also called: OPTN-related open angle glaucoma. Identifiers: MedGen C0339573, MONDO:0100553, OMIM 137760.

Allele frequency attached by ClinVar (database versions not stated): gnomAD exomes 0.00086 and 0.00225; ExAC 0.00282; gnomAD 0.00798 and 0.00853; TOPMed 0.00914; ESP Exome Variant Server 0.00969; 1000 Genomes Project 0.01038; 1000 Genomes Project 30x 0.01046.
gnomAD v4.1: 2,514 of 1,613,520 alleles (0.16%); highest among the groups gnomAD compares: African/African-American, 2.7%; 26 homozygotes.

Submissions (7):

Labcorp Genetics (formerly Invitae), Labcorp
Classification: Benign for Primary open angle glaucoma; Glaucoma 1, open angle, E; Amyotrophic lateral sclerosis type 12. Last evaluated: 2026-01-20. Review status: criteria provided, single submitter. Criteria: Invitae Variant Classification Sherloc (09022015). Collection method: clinical testing. Allele origin: germline.

Athena Diagnostics
Classification: Benign. Last evaluated: 2024-06-24. Review status: criteria provided, single submitter. Criteria: Athena Diagnostics Criteria. Collection method: clinical testing. Allele origin: unknown.

Mayo Clinic Laboratories, Mayo Clinic
Classification: Benign. Last evaluated: 2024-04-30. Review status: criteria provided, single submitter. Criteria: ACMG Guidelines, 2015. Collection method: clinical testing. Allele origin: germline. Observed: 5 variant alleles.
Comment: BS1, BS2, BP4, BP7

GeneDx
Classification: Likely benign. Last evaluated: 2020-04-15. Review status: criteria provided, single submitter. Criteria: GeneDx Variant Classification Process June 2021. Collection method: clinical testing. Allele origin: germline. Affected: yes.

Illumina Laboratory Services, Illumina
Classification: Benign for Primary open angle glaucoma. Last evaluated: 2018-01-13. Review status: criteria provided, single submitter. Criteria: ICSL Variant Classification Criteria 13 December 2019. Collection method: clinical testing. Allele origin: germline.
Comment: This variant was observed in the ICSL laboratory as part of a predisposition screen in an ostensibly healthy population. It had not been previously curated by ICSL or reported in the Human Gene Mutation Database (HGMD: prior to June 1st, 2018), and was therefore a candidate for classification through an automated scoring system. Utilizing variant allele frequency, disease prevalence and penetrance estimates, and inheritance mode, an automated score was calculated to assess if this variant is too frequent to cause the disease. Based on the score and internal cut-off values, a variant classified as benign is not then subjected to further curation. The score for this variant resulted in a classification of benign for this disease.

Illumina Laboratory Services, Illumina
Classification: Benign for Amyotrophic lateral sclerosis type 12. Last evaluated: 2018-01-13. Review status: criteria provided, single submitter. Criteria: ICSL Variant Classification Criteria 13 December 2019. Collection method: clinical testing. Allele origin: germline.
Comment: the same text as in the submission from Illumina Laboratory Services, Illumina above.

Breakthrough Genomics
Classification: Likely benign. Review status: criteria provided, single submitter. Criteria: ACMG Guidelines, 2015. Collection method: not provided. Allele origin: germline. Inheritance: Autosomal recessive inheritance. Affected: yes.